The following is an entry in ClinVar:

ClinVar aggregate classification (germline): Uncertain significance (1 of 4 stars; one submission).

Conditions:
Ehlers-Danlos syndrome, classic type, 1 (EDSCL1). Also called: EHLERS-DANLOS SYNDROME, GRAVIS TYPE; EHLERS-DANLOS SYNDROME, SEVERE CLASSIC TYPE; EDS I; Ehlers-Danlos Syndrome, Classic Type, COL5A1-Related; Ehlers-Danlos syndrome, type 1. Identifiers: MedGen C0268335, MONDO:0019567, OMIM 130000.

Allele frequency attached by ClinVar (database versions not stated): gnomAD exomes 0.00001 and 0.00003; ExAC 0.00005; gnomAD 0.00001.
gnomAD v4.1: 11 of 1,613,836 alleles (0.00068%); highest among the groups gnomAD compares: South Asian, 0.0044%; no homozygotes.

Submission:

Labcorp Genetics (formerly Invitae), Labcorp
Classification: Uncertain significance for Ehlers-Danlos syndrome, classic type, 1. Last evaluated: 2023-10-03. Review status: criteria provided, single submitter. Criteria: Invitae Variant Classification Sherloc (09022015). Collection method: clinical testing. Allele origin: germline.
Comment: This sequence change replaces aspartic acid, which is acidic and polar, with asparagine, which is neutral and polar, at codon 1138 of the COL5A2 protein (p.Asp1138Asn). This variant is not present in population databases (gnomAD no frequency). This variant has not been reported in the literature in individuals affected with COL5A2-related conditions. ClinVar contains an entry for this variant (Variation ID: 972214). Experimental studies and prediction algorithms are not available or were not evaluated, and the functional significance of this variant is currently unknown. In summary, the available evidence is currently insufficient to determine the role of this variant in disease. Therefore, it has been classified as a Variant of Uncertain Significance.

NM_000393.5(COL5A2):c.3412G>A (p.Asp1138Asn)

Gene: COL5A2 (collagen type V alpha 2 chain; minus strand). Cytogenetic location: 2q32.2.
Variant type: single nucleotide variant.
Coding change: c.3412G>A on transcript NM_000393.5 (MANE Select); coding-DNA position 3412, G replaced by A.
Protein change: p.Asp1138Asn; replaces aspartic acid 1138 with asparagine.
Molecular consequence: missense variant.
Genome position (GRCh38, 1-based): chr2:189,043,210, C>T on the plus strand (G>A on the coding strand, the complement: COL5A2 is on the minus strand). VCF-style: chr2-189043210-C-T. GRCh37 (hg19) VCF-style: chr2-189907936-C-T.
Other names: short protein forms D1138N.
Identifiers: ClinVar variation 972214 (VCV000972214.5), dbSNP rs750574093, ClinGen allele CA2022000.